The following is an entry in ClinVar:

ClinVar aggregate classification (germline): Uncertain significance (1 of 4 stars; one submission).

Conditions:
Angelman syndrome-like. Identifiers: MedGen CN128785.
Developmental and epileptic encephalopathy, 2 (DEE2). Also called: CDKL5 deficiency disorder; INFANTILE SPASM SYNDROME, X-LINKED 2. Identifiers: Orphanet 1934, Orphanet 3451, Orphanet 505652, MedGen C4750718, MONDO:0010396, OMIM 300672.

Submission:

Labcorp Genetics (formerly Invitae), Labcorp
Classification: Uncertain significance for Developmental and epileptic encephalopathy, 2; Angelman syndrome-like. Last evaluated: 2023-04-24. Review status: criteria provided, single submitter. Criteria: Invitae Variant Classification Sherloc (09022015). Collection method: clinical testing. Allele origin: germline.
Comment: This sequence change replaces cysteine, which is neutral and slightly polar, with glycine, which is neutral and non-polar, at codon 126 of the CDKL5 protein (p.Cys126Gly). This variant is not present in population databases (gnomAD no frequency). This variant has not been reported in the literature in individuals affected with CDKL5-related conditions. ClinVar contains an entry for this variant (Variation ID: 1719275). Advanced modeling of protein sequence and biophysical properties (such as structural, functional, and spatial information, amino acid conservation, physicochemical variation, residue mobility, and thermodynamic stability) performed at Invitae indicates that this missense variant is expected to disrupt CDKL5 protein function. In summary, the available evidence is currently insufficient to determine the role of this variant in disease. Therefore, it has been classified as a Variant of Uncertain Significance.

NM_001323289.2(CDKL5):c.376T>G (p.Cys126Gly)

Gene: CDKL5 (cyclin dependent kinase like 5; plus strand). Cytogenetic location: Xp22.13.
Variant type: single nucleotide variant.
Coding change: c.376T>G on transcript NM_001323289.2 (MANE Select); coding-DNA position 376, T replaced by G.
Protein change: p.Cys126Gly; replaces cysteine 126 with glycine.
Molecular consequence: missense variant.
Genome position (GRCh38, 1-based): chrX:18,579,941, T>G. VCF-style: chrX-18579941-T-G. GRCh37 (hg19) VCF-style: chrX-18598061-T-G.
Other names: c.376T>G, p.Cys126Gly (NM_001037343.2, NM_003159.3); short protein forms C126G.
Identifiers: ClinVar variation 1719275 (VCV001719275.6), dbSNP rs2518849279, ClinGen allele CA412350284.